The following is an entry in ClinVar:

ClinVar aggregate classification (germline): Pathogenic (1 of 4 stars; one submission).

Submission:

Labcorp Genetics (formerly Invitae), Labcorp
Classification: Pathogenic. Last evaluated: 2020-06-06. Review status: criteria provided, single submitter. Criteria: Invitae Variant Classification Sherloc (09022015). Collection method: clinical testing. Allele origin: germline.
Comment: This variant has not been reported in the literature in individuals with COL4A5-related conditions. This variant is not present in population databases (ExAC no frequency). This sequence change creates a premature translational stop signal (p.Pro23Leufs*16) in the COL4A5 gene. It is expected to result in an absent or disrupted protein product. Loss-of-function variants in COL4A5 are known to be pathogenic (PMID: 9195222, 10752524, 14514738, 24854265, 26809805). For these reasons, this variant has been classified as Pathogenic.

Literature cited by the submitters: PubMed 9195222; PubMed 10752524; PubMed 14514738; PubMed 24854265; PubMed 26809805.

NM_033380.3(COL4A5):c.67_81+1del

Gene: COL4A5 (collagen type IV alpha 5 chain; plus strand). Cytogenetic location: Xq22.3.
Variant type: Deletion.
Coding change: c.67_81+1del on transcript NM_033380.3 (MANE Select); coding-DNA position 67 through the canonical splice donor site of the intron after coding-DNA position 81, 16 bases deleted (CCTGCAGAGGCTGCGG).
Molecular consequence: splice donor variant.
Genome position (GRCh38, 1-based): chrX:108,440,192-108,440,207, CCTGCAGAGGCTGCGG deleted; deleting any 16 consecutive bases within chrX:108,440,191-108,440,207 gives the same sequence; the c. name uses the placement nearest the transcript's 3' end. VCF-style (leftmost placement, unchanged base first): chrX-108440190-AGCCTGCAGAGGCTGCG-A. GRCh37 (hg19) VCF-style: chrX-107683420-AGCCTGCAGAGGCTGCG-A.
Other names: c.67_81+1del (NM_000495.5).
Identifiers: ClinVar variation 1073029 (VCV001073029.7), dbSNP rs2147448071, ClinGen allele CA2499226295.